The following is an entry in ClinVar:

NM_003742.4(ABCB11):c.2876T>G (p.Phe959Cys)

Genes: ABCB11 (ATP binding cassette subfamily B member 11; minus strand), LOC126806400 (CDK7 strongly-dependent group 2 enhancer GRCh37_chr2:169791870-169793069; plus strand). Cytogenetic location: 2q31.1.
Variant type: single nucleotide variant.
Coding change: c.2876T>G on transcript NM_003742.4 (MANE Select); coding-DNA position 2876, T replaced by G.
Protein change: p.Phe959Cys; replaces phenylalanine 959 with cysteine.
Molecular consequence: missense variant.
Genome position (GRCh38, 1-based): chr2:168,935,364, A>C on the plus strand (T>G on the coding strand, the complement: ABCB11 is on the minus strand). VCF-style: chr2-168935364-A-C. GRCh37 (hg19) VCF-style: chr2-169791874-A-C.
Other names: short protein forms F959C.
Identifiers: ClinVar variation 4846001 (VCV004846001.1).
Genomic context (GRCh38, chr2:168,935,364, plus strand): 5'-TTGGCTTTCTGAATGGCTGTCTTGAAGGGCTTCTCCAGCTCAGTCTCAAGTGCTTCAATG[A>C]ACCGCCTCTCCTTTCCAATTCCAGCAACAGTGCGGATGTTACTGAGGGCTTCATTTGTAA-3'
Protein context (NP_003733.2, residues 949-969): TVAGIGKERR[Phe959Cys]IEALETELEK

ClinVar aggregate classification (germline): Uncertain significance (1 of 4 stars; one submission).

Conditions:
Familial intrahepatic cholestasis. Identifiers: Orphanet 284385, MedGen CN296401, MONDO:0017290.

Submission:

Genomenon, Inc
Classification: Uncertain significance for Familial intrahepatic cholestasis. Last evaluated: 2026-04-14. Review status: criteria provided, single submitter. Criteria: Genomenon Sequence Variant Interpretation Standards - Updated. Collection method: curation. Allele origin: germline. Affected: no.
Comment: ABCB11 p.Phe959Cys (c.2876T>G) is a missense variant that changes the amino acid at residue 959 from Phenylalanine to Cysteine. This variant has been reported in the published literature (PMID:22795478). It is absent or not present at a significant frequency in gnomAD. In silico models predict that this variant is possibly or probably damaging. In conclusion, we classify ABCB11 p.Phe959Cys (c.2876T>G) as a variant of uncertain significance.

Literature cited by the submitters: PubMed 22795478.